The following is an entry in ClinVar:

ClinVar aggregate classification (germline): Likely pathogenic (1 of 4 stars; one submission).

Conditions:
Familial infantile myasthenia (CMS6). Also called: Congenital myasthenic syndrome type 6; MYASTHENIC SYNDROME, PRESYNAPTIC, CONGENITAL, ASSOCIATED WITH EPISODIC APNEA; MYASTHENIC SYNDROME, CONGENITAL, 6, PRESYNAPTIC. Identifiers: Orphanet 590, MedGen C0393929, MONDO:0009689, OMIM 254210.

Allele frequency attached by ClinVar (database versions not stated): TOPMed below 0.00001.

Submission:

Labcorp Genetics (formerly Invitae), Labcorp
Classification: Likely pathogenic for Familial infantile myasthenia. Last evaluated: 2022-12-31. Review status: criteria provided, single submitter. Criteria: Invitae Variant Classification Sherloc (09022015). Collection method: clinical testing. Allele origin: germline.
Comment: In summary, the currently available evidence indicates that the variant is pathogenic, but additional data are needed to prove that conclusively. Therefore, this variant has been classified as Likely Pathogenic. Algorithms developed to predict the effect of sequence changes on RNA splicing suggest that this variant may disrupt the consensus splice site. This variant has not been reported in the literature in individuals affected with CHAT-related conditions. This variant is not present in population databases (gnomAD no frequency). This sequence change affects an acceptor splice site in intron 5 of the CHAT gene. It is expected to disrupt RNA splicing. Variants that disrupt the donor or acceptor splice site typically lead to a loss of protein function (PMID: 16199547), and loss-of-function variants in CHAT are known to be pathogenic (PMID: 12548525, 21786365, 23292760).

Literature cited by the submitters: PubMed 16199547; PubMed 12548525; PubMed 21786365; PubMed 23292760.

NM_020549.5(CHAT):c.753-2A>T

Gene: CHAT (choline O-acetyltransferase; plus strand). Cytogenetic location: 10q11.23.
Variant type: single nucleotide variant.
Coding change: c.753-2A>T on transcript NM_020549.5 (MANE Select); the canonical splice acceptor site of the intron before coding-DNA position 753, A replaced by T.
Molecular consequence: splice acceptor variant.
Genome position (GRCh38, 1-based): chr10:49,625,471, A>T. VCF-style: chr10-49625471-A-T. GRCh37 (hg19) VCF-style: chr10-50833517-A-T.
Other names: c.399-2A>T (NM_020984.4, NM_020985.4, NM_020986.4 and 2 more transcripts); c.507-2A>T (NM_001142933.2).
Identifiers: ClinVar variation 2742415 (VCV002742415.3), dbSNP rs1838883166, ClinGen allele CA376729575.